The following is an entry in ClinVar:

ClinVar aggregate classification (germline): Uncertain significance. Review status: criteria provided, multiple submitters, no conflicts (2 of 4 stars). 2 submissions from 2 submitters: Uncertain significance (2). Last evaluated 2022-02-27.

Conditions:
Autosomal recessive nonsyndromic hearing loss 35. Identifiers: Orphanet 90636, MedGen C1837857, MONDO:0012060, OMIM 608565.

Allele frequency attached by ClinVar (database versions not stated): gnomAD exomes below 0.00001; ExAC 0.00001.
gnomAD v4.1: 4 of 1,613,990 alleles (0.00025%); highest among the groups gnomAD compares: Non-Finnish European, 0.00034%; no homozygotes.

Submissions (2):

Labcorp Genetics (formerly Invitae), Labcorp
Classification: Uncertain significance. Last evaluated: 2022-02-27. Review status: criteria provided, single submitter. Criteria: Invitae Variant Classification Sherloc (09022015). Collection method: clinical testing. Allele origin: germline.
Comment: In summary, the available evidence is currently insufficient to determine the role of this variant in disease. Therefore, it has been classified as a Variant of Uncertain Significance. Algorithms developed to predict the effect of missense changes on protein structure and function (SIFT, PolyPhen-2, Align-GVGD) all suggest that this variant is likely to be disruptive. This missense change has been observed in individual(s) with deafness (Invitae). This variant is present in population databases (rs763549223, gnomAD 0.0009%). This sequence change replaces arginine, which is basic and polar, with histidine, which is basic and polar, at codon 159 of the ESRRB protein (p.Arg159His).

Department of Pathology and Laboratory Medicine, Sinai Health System
Classification: Uncertain significance for Autosomal recessive nonsyndromic hearing loss 35. Last evaluated: 2022-01-17. Review status: criteria provided, single submitter. Criteria: ACMG Guidelines, 2015. Collection method: research. Allele origin: germline.

NM_001379180.1(ESRRB):c.539G>A (p.Arg180His)

Gene: ESRRB (estrogen related receptor beta; plus strand). Cytogenetic location: 14q24.3.
Variant type: single nucleotide variant.
Coding change: c.539G>A on transcript NM_001379180.1 (MANE Select); coding-DNA position 539, G replaced by A.
Protein change: p.Arg180His; replaces arginine 180 with histidine.
Molecular consequence: missense variant.
Genome position (GRCh38, 1-based): chr14:76,462,623, G>A. VCF-style: chr14-76462623-G-A. GRCh37 (hg19) VCF-style: chr14-76928966-G-A.
Other names: c.491G>A, p.Arg164His (NM_001411038.1); c.476G>A, p.Arg159His (NM_004452.4); short protein forms R159H, R180H, R164H.
Identifiers: ClinVar variation 1978091 (VCV001978091.6), dbSNP rs763549223, ClinGen allele CA7281609.